The following is an entry in ClinVar:

ClinVar aggregate classification (germline): Uncertain significance. Review status: criteria provided, multiple submitters, no conflicts (2 of 4 stars). 2 submissions from 2 submitters: Uncertain significance (2). Last evaluated 2025-09-14.

Conditions:
Hereditary cancer-predisposing syndrome. Also called: Neoplastic Syndromes, Hereditary; Tumor predisposition; Hereditary Cancer Syndrome; Hereditary neoplastic syndrome. Identifiers: Orphanet 140162, MedGen C0027672, MeSH D009386, MONDO:0015356.
Tuberous sclerosis 2 (TSC2). Identifiers: Orphanet 805, MedGen C1860707, MONDO:0013199, OMIM 613254.

Submissions (2):

Ambry Genetics
Classification: Uncertain significance for Hereditary cancer-predisposing syndrome. Last evaluated: 2025-09-14. Review status: criteria provided, single submitter. Criteria: Ambry Variant Classification Scheme 2023. Collection method: clinical testing. Allele origin: germline.
Comment: The p.S1704C variant (also known as c.5111C>G), located in coding exon 39 of the TSC2 gene, results from a C to G substitution at nucleotide position 5111. The serine at codon 1704 is replaced by cysteine, an amino acid with dissimilar properties. This amino acid position is conserved. In addition, this alteration is predicted to be deleterious by in silico analysis. Based on the available evidence, the clinical significance of this variant remains unclear.

Labcorp Genetics (formerly Invitae), Labcorp
Classification: Uncertain significance for Tuberous sclerosis 2. Last evaluated: 2025-03-11. Review status: criteria provided, single submitter. Criteria: Invitae Variant Classification Sherloc (09022015). Collection method: clinical testing. Allele origin: germline.
Comment: This sequence change replaces serine, which is neutral and polar, with cysteine, which is neutral and slightly polar, at codon 1704 of the TSC2 protein (p.Ser1704Cys). This variant is not present in population databases (gnomAD no frequency). This variant has not been reported in the literature in individuals affected with TSC2-related conditions. Invitae Evidence Modeling of protein sequence and biophysical properties (such as structural, functional, and spatial information, amino acid conservation, physicochemical variation, residue mobility, and thermodynamic stability) has been performed for this missense variant. However, the output from this modeling did not meet the statistical confidence thresholds required to predict the impact of this variant on TSC2 protein function. In summary, the available evidence is currently insufficient to determine the role of this variant in disease. Therefore, it has been classified as a Variant of Uncertain Significance.

NM_000548.5(TSC2):c.5111C>G (p.Ser1704Cys)

Gene: TSC2 (TSC complex subunit 2; plus strand). Cytogenetic location: 16p13.3.
Variant type: single nucleotide variant.
Coding change: c.5111C>G on transcript NM_000548.5 (MANE Select); coding-DNA position 5111, C replaced by G.
Protein change: p.Ser1704Cys; replaces serine 1704 with cysteine.
Molecular consequence: missense variant. On other transcripts: non-coding transcript variant (5).
Genome position (GRCh38, 1-based): chr16:2,088,090, C>G. VCF-style: chr16-2088090-C-G. GRCh37 (hg19) VCF-style: chr16-2138091-C-G.
Other names: c.4910C>G, p.Ser1637Cys (NM_001077183.3); c.5042C>G, p.Ser1681Cys (NM_001114382.3); c.4802C>G, p.Ser1601Cys (NM_001318827.2); c.4766C>G, p.Ser1589Cys (NM_001318829.2); c.4379C>G, p.Ser1460Cys (NM_001318831.2); c.4943C>G, p.Ser1648Cys (NM_001318832.2); c.4913C>G, p.Ser1638Cys (NM_001363528.2); c.4979C>G, p.Ser1660Cys (NM_001370404.1); and 26 more; short protein forms S1481C, S1588C, S1589C, S1638C, S1667C, S1189C, S1190C, S1233C.
Identifiers: ClinVar variation 4192205 (VCV004192205.2).